The following is an entry in ClinVar:

ClinVar aggregate classification (germline): Likely benign (1 of 4 stars; one submission).

Submission:

CeGaT Center for Human Genetics Tuebingen
Classification: Likely benign. Last evaluated: 2026-07-01. Review status: criteria provided, single submitter. Criteria: CeGaT Center For Human Genetics Tuebingen Variant Classification Criteria Version 2. Collection method: clinical testing. Allele origin: germline. Affected: yes. Observed: 3 variant alleles.
Comment: MUC4: BP4, BP7

NM_018406.7(MUC4):c.3180T>C (p.Thr1060=)

Gene: MUC4 (mucin 4, cell surface associated). Cytogenetic location: 3q29.
Variant type: single nucleotide variant.
Coding change: c.3180T>C on transcript NM_018406.7 (MANE Select); coding-DNA position 3180, T replaced by C.
Protein change: p.Thr1060=; no amino-acid change (threonine 1060 retained).
Molecular consequence: synonymous variant. On other transcripts: intron variant (2).
Genome position (GRCh38, 1-based): chr3:195,788,400, A>G on the plus strand (T>C on the coding strand, the complement: MUC4 is on the minus strand). VCF-style: chr3-195788400-A-G. GRCh37 (hg19) VCF-style: chr3-195515271-A-G.
Other names: c.83-14095T>C (NM_138297.5); c.83-9945T>C (NM_004532.6).
Identifiers: ClinVar variation 4871977 (VCV004871977.2).
Genomic context (GRCh38, chr3:195,788,400, plus strand): 5'-TGAGGAAAGGCTGGTGACAGGAAGAGGGGTGACGTGACCTGTGGATGCTGAGGAAGTGTC[A>G]GTGACAGGAAGAGGGGTGCTGTCACCTGTGGATGCTGAGGAAAAGCTGGTGACAGGAAGA-3'
Protein context (NP_060876.5, residues 1050-1070): STGDSTPLPV[Thr1060=]DTSSASTGHV